The following is an entry in ClinVar:

NM_000271.5(NPC1):c.1070C>A (p.Ser357Ter)

Gene: NPC1 (NPC intracellular cholesterol transporter 1; minus strand). Cytogenetic location: 18q11.2.
Variant type: single nucleotide variant.
Coding change: c.1070C>A on transcript NM_000271.5 (MANE Select); coding-DNA position 1070, C replaced by A.
Protein change: p.Ser357Ter; replaces serine 357 with a stop codon.
Molecular consequence: nonsense.
Genome position (GRCh38, 1-based): chr18:23,556,499, G>T on the plus strand (C>A on the coding strand, the complement: NPC1 is on the minus strand). VCF-style: chr18-23556499-G-T. GRCh37 (hg19) VCF-style: chr18-21136463-G-T.
Other names: short protein forms S357*.
Identifiers: ClinVar variation 983759 (VCV000983759.3), dbSNP rs1555637232, ClinGen allele CA401778537.

ClinVar aggregate classification (germline): Likely pathogenic (1 of 4 stars; one submission).

Conditions:
Niemann-Pick disease, type C1. Also called: NIEMANN-PICK DISEASE, VARIANT TYPE C1; NIEMANN-PICK DISEASE WITHOUT SPHINGOMYELINASE DEFICIENCY; NIEMANN-PICK DISEASE, CHRONIC NEURONOPATHIC FORM; NEUROVISCERAL STORAGE DISEASE WITH VERTICAL SUPRANUCLEAR OPHTHALMOPLEGIA; NIEMANN-PICK DISEASE WITH CHOLESTEROL ESTERIFICATION BLOCK. Identifiers: Orphanet 646, MedGen C3179455, MONDO:0009757, OMIM 257220.

Submission:

Myriad Genetics, Inc.
Classification: Likely pathogenic for Niemann-Pick disease, type C1. Last evaluated: 2019-12-22. Review status: criteria provided, single submitter. Criteria: Myriad Women's Health Autosomal Recessive and X-Linked Classification Criteria (2019). Collection method: clinical testing. Allele origin: unknown.
Comment: NM_000271.4(NPC1):c.1070C>A(S357*) is expected to be pathogenic in the context of Niemann-Pick disease type C1. This variant is predicted to lead to an abnormal or absent protein product due to the creation of a premature termination codon in NPC1, a gene where loss-of-function variants are known to be pathogenic. Please note: this variant was assessed in the context of healthy population screening.